The following is an entry in ClinVar:

NM_005359.6(SMAD4):c.652C>G (p.Pro218Ala)

Gene: SMAD4 (SMAD family member 4; plus strand). Cytogenetic location: 18q21.2.
Variant type: single nucleotide variant.
Coding change: c.652C>G on transcript NM_005359.6 (MANE Select); coding-DNA position 652, C replaced by G.
Protein change: p.Pro218Ala; replaces proline 218 with alanine.
Molecular consequence: missense variant.
Genome position (GRCh38, 1-based): chr18:51,054,978, C>G. VCF-style: chr18-51054978-C-G. GRCh37 (hg19) VCF-style: chr18-48581348-C-G.
Other names: short protein forms P218A.
Identifiers: ClinVar variation 630055 (VCV000630055.9), dbSNP rs1345146274, ClinGen allele CA402461314.

ClinVar aggregate classification (germline): Conflicting classifications of pathogenicity. Review status: criteria provided, conflicting classifications (1 of 4 stars). 5 submissions from 5 submitters: Uncertain significance (3); Likely benign (2). Last evaluated 2025-01-19.

Conditions:
Hereditary cancer-predisposing syndrome. Also called: Hereditary neoplastic syndrome; Neoplastic Syndromes, Hereditary; Tumor predisposition; Hereditary Cancer Syndrome. Identifiers: Orphanet 140162, MedGen C0027672, MeSH D009386, MONDO:0015356.
Familial thoracic aortic aneurysm and aortic dissection (TAAD). Also called: Thoracic aortic aneurysms and dissections. Identifiers: Orphanet 91387, MedGen C4707243, MONDO:0019625.
Juvenile polyposis syndrome (JPS). Identifiers: Orphanet 2929, MedGen C0345893, MONDO:0017380, OMIM 174900.
Juvenile polyposis/hereditary hemorrhagic telangiectasia syndrome (JPHT). Also called: Juvenile Polyposis Syndrome / Hereditary Hemorrhagic Telangiectasia (JPS/HHT); JP/HHT SYNDROME; JUVENILE POLYPOSIS WITH HEREDITARY HEMORRHAGIC TELANGIECTASIA; POLYPOSIS, GENERALIZED JUVENILE, WITH PULMONARY ARTERIOVENOUS MALFORMATION; TELANGIECTASIA, HEREDITARY HEMORRHAGIC, WITH JUVENILE POLYPOSIS COLI. Identifiers: Orphanet 2929, MedGen C1832942, MONDO:0008278, OMIM 175050.

Submissions (5):

Ambry Genetics
Classification: Uncertain significance for Hereditary cancer-predisposing syndrome; Familial thoracic aortic aneurysm and aortic dissection. Last evaluated: 2025-01-19. Review status: criteria provided, single submitter. Criteria: Ambry Variant Classification Scheme 2023. Collection method: clinical testing. Allele origin: germline.
Comment: The p.P218A variant (also known as c.652C>G), located in coding exon 4 of the SMAD4 gene, results from a C to G substitution at nucleotide position 652. The proline at codon 218 is replaced by alanine, an amino acid with highly similar properties. This amino acid position is conserved. In addition, the in silico prediction for this alteration is inconclusive. Based on the available evidence, the clinical significance of this variant remains unclear.

Color Diagnostics, LLC DBA Color Health
Classification: Likely benign for Hereditary cancer-predisposing syndrome. Last evaluated: 2024-10-11. Review status: criteria provided, single submitter. Criteria: ACMG Guidelines, 2015. Collection method: clinical testing. Allele origin: germline.

Labcorp Genetics (formerly Invitae), Labcorp
Classification: Uncertain significance for Juvenile polyposis syndrome. Last evaluated: 2024-07-29. Review status: criteria provided, single submitter. Criteria: Invitae Variant Classification Sherloc (09022015). Collection method: clinical testing. Allele origin: germline.
Comment: This sequence change replaces proline, which is neutral and non-polar, with alanine, which is neutral and non-polar, at codon 218 of the SMAD4 protein (p.Pro218Ala). This variant is not present in population databases (gnomAD no frequency). This variant has not been reported in the literature in individuals affected with SMAD4-related conditions. ClinVar contains an entry for this variant (Variation ID: 630055). Advanced modeling of protein sequence and biophysical properties (such as structural, functional, and spatial information, amino acid conservation, physicochemical variation, residue mobility, and thermodynamic stability) performed at Invitae indicates that this missense variant is not expected to disrupt SMAD4 protein function with a negative predictive value of 95%. In summary, the available evidence is currently insufficient to determine the role of this variant in disease. Therefore, it has been classified as a Variant of Uncertain Significance.

All of Us Research Program, National Institutes of Health
Classification: Likely benign for Juvenile polyposis/hereditary hemorrhagic telangiectasia syndrome. Last evaluated: 2023-10-02. Review status: criteria provided, single submitter. Criteria: ACMG Guidelines, 2015. Collection method: clinical testing. Allele origin: germline. Inheritance: Autosomal dominant inheritance. Observed: 1 variant allele, 1 heterozygote.
Comment: This study involves interpretation of variants in research participants for the purpose of population health screening. Participant phenotype was not available at the time of variant classification. Additional details can be found in publication PMID: 35346344, PMCID: PMC8962531

GeneDx
Classification: Uncertain significance. Last evaluated: 2023-01-10. Review status: criteria provided, single submitter. Criteria: GeneDx Variant Classification Process June 2021. Collection method: clinical testing. Allele origin: germline. Affected: yes.
Comment: Not observed at significant frequency in large population cohorts (gnomAD); In silico analysis supports that this missense variant has a deleterious effect on protein structure/function; Has not been previously published as pathogenic or benign to our knowledge; This variant is associated with the following publications: (PMID: 15235019, 18823382, 22992590)